The following is an entry in ClinVar:

NM_000135.4(FANCA):c.2638C>G (p.Arg880Gly)

Genes: FANCA (FA complementation group A; minus strand), LOC130059837 (ATAC-STARR-seq lymphoblastoid active region 11420; plus strand). Cytogenetic location: 16q24.3.
Variant type: single nucleotide variant.
Coding change: c.2638C>G on transcript NM_000135.4 (MANE Select); coding-DNA position 2638, C replaced by G.
Protein change: p.Arg880Gly; replaces arginine 880 with glycine.
Molecular consequence: missense variant.
Genome position (GRCh38, 1-based): chr16:89,765,030, G>C on the plus strand (C>G on the coding strand, the complement: FANCA is on the minus strand). VCF-style: chr16-89765030-G-C. GRCh37 (hg19) VCF-style: chr16-89831438-G-C.
Other names: c.2638C>G, p.Arg880Gly (NM_001286167.3); short protein forms R880G.
Identifiers: ClinVar variation 425115 (VCV000425115.52), dbSNP rs762804216, ClinGen allele CA16621696.

ClinVar aggregate classification (germline): Conflicting classifications of pathogenicity. Review status: criteria provided, conflicting classifications (1 of 4 stars). 4 submissions from 4 submitters: Pathogenic (1); Likely pathogenic (1); Uncertain significance (1). 1 of the submissions does not count toward it. Last evaluated 2025-12-22.

Conditions:
Fanconi anemia (FA). Also called: Fanconi's anemia. Identifiers: Orphanet 84, MedGen C0015625, MeSH D005199, MONDO:0019391.
Fanconi anemia complementation group A (FANCA). Also called: FANCA-Related Fanconi Anemia; Fanconi anemia, group A. Identifiers: Orphanet 84, MedGen C3469521, MONDO:0009215, OMIM 227650.

Submissions (4):

Myriad Genetics, Inc.
Classification: Likely pathogenic for Fanconi anemia complementation group A. Last evaluated: 2025-12-22. Review status: criteria provided, single submitter. Criteria: Myriad Autosomal Dominant, Autosomal Recessive and X-Linked Classification Criteria (2023). Collection method: clinical testing. Allele origin: unknown.
Comment: NM_000135.2(FANCA):c.2638C>G(R880G) is a missense variant classified as likely pathogenic in the context of Fanconi anemia complementation group A. R880G has been observed in a case with relevant disease (PMID: 32487094). Relevant functional assessments of this variant are not available in the literature. Internal structural analysis of the variant is supportive of pathogenicity. R880G has not been observed in referenced population frequency databases. In summary, NM_000135.2(FANCA):c.2638C>G(R880G) is a missense variant that has internal structural support for pathogenicity and has been observed more frequently in cases with the relevant disease than in healthy populations. Please note: this variant was assessed in the context of healthy population screening.

Labcorp Genetics (formerly Invitae), Labcorp
Classification: Pathogenic for Fanconi anemia. Last evaluated: 2022-05-04. Review status: criteria provided, single submitter. Criteria: Invitae Variant Classification Sherloc (09022015). Collection method: clinical testing. Allele origin: germline.
Comment: For these reasons, this variant has been classified as Pathogenic. This variant disrupts the p.Arg880 amino acid residue in FANCA. Other variant(s) that disrupt this residue have been determined to be pathogenic (PMID: 16397136, 19367192, 21273304, 29098742; Invitae). This suggests that this residue is clinically significant, and that variants that disrupt this residue are likely to be disease-causing. Advanced modeling of protein sequence and biophysical properties (such as structural, functional, and spatial information, amino acid conservation, physicochemical variation, residue mobility, and thermodynamic stability) performed at Invitae indicates that this missense variant is expected to disrupt FANCA protein function. ClinVar contains an entry for this variant (Variation ID: 425115). This missense change has been observed in individual(s) with Fanconi anemia (PMID: 32487094). In at least one individual the data is consistent with being in trans (on the opposite chromosome) from a pathogenic variant. This variant is not present in population databases (gnomAD no frequency). This sequence change replaces arginine, which is basic and polar, with glycine, which is neutral and non-polar, at codon 880 of the FANCA protein (p.Arg880Gly).

CeGaT Center for Human Genetics Tuebingen
Classification: Uncertain significance. Last evaluated: 2017-01-01. Review status: criteria provided, single submitter. Criteria: CeGaT Center For Human Genetics Tuebingen Variant Classification Criteria Version 2. Collection method: clinical testing. Allele origin: germline. Affected: yes. Observed: 1 variant allele.

Leiden Open Variation Database
Classification: Likely pathogenic. Last evaluated: 2020-02-28. Review status: no assertion criteria provided. Collection method: curation. Allele origin: germline. Affected: yes. Not counted in ClinVar's aggregate classification.
Comment: Curator: Arleen D. Auerbach. Submitter to LOVD: IMGAG.

Literature cited by the submitters: PubMed 32487094 (cited by Myriad Genetics, Inc. and Labcorp Genetics (formerly Invitae), Labcorp); PubMed 16397136 (cited by Labcorp Genetics (formerly Invitae), Labcorp); PubMed 19367192 (cited by Labcorp Genetics (formerly Invitae), Labcorp); PubMed 21273304 (cited by Labcorp Genetics (formerly Invitae), Labcorp); PubMed 29098742 (cited by Labcorp Genetics (formerly Invitae), Labcorp).